The following is an entry in ClinVar:

NM_001079843.3(CASZ1):c.1395G>C (p.Gln465His)

Gene: CASZ1 (castor zinc finger 1; minus strand). Cytogenetic location: 1p36.22.
Variant type: single nucleotide variant.
Coding change: c.1395G>C on transcript NM_001079843.3 (MANE Select); coding-DNA position 1395, G replaced by C.
Protein change: p.Gln465His; replaces glutamine 465 with histidine.
Molecular consequence: missense variant.
Genome position (GRCh38, 1-based): chr1:10,658,522, C>G on the plus strand (G>C on the coding strand, the complement: CASZ1 is on the minus strand). VCF-style: chr1-10658522-C-G. GRCh37 (hg19) VCF-style: chr1-10718579-C-G.
Other names: c.1395G>C, p.Gln465His (NM_017766.5); short protein forms Q465H.
Identifiers: ClinVar variation 1473394 (VCV001473394.6), dbSNP rs764860488, ClinGen allele CA585141.

ClinVar aggregate classification (germline): Uncertain significance (1 of 4 stars; one submission).

Allele frequency attached by ClinVar (database versions not stated): gnomAD exomes 0.00001; ExAC 0.00002.
gnomAD v4.1: 3 of 1,613,992 alleles (0.00019%); highest among the groups gnomAD compares: Admixed American, 0.005%; no homozygotes.

Submission:

Labcorp Genetics (formerly Invitae), Labcorp
Classification: Uncertain significance. Last evaluated: 2021-08-07. Review status: criteria provided, single submitter. Criteria: Invitae Variant Classification Sherloc (09022015). Collection method: clinical testing. Allele origin: germline.
Comment: This sequence change replaces glutamine with histidine at codon 465 of the CASZ1 protein (p.Gln465His). The glutamine residue is highly conserved and there is a small physicochemical difference between glutamine and histidine. This variant is present in population databases (rs764860488, ExAC 0.02%). This variant has not been reported in the literature in individuals affected with CASZ1-related conditions. Algorithms developed to predict the effect of missense changes on protein structure and function are either unavailable or do not agree on the potential impact of this missense change (SIFT: "Deleterious"; PolyPhen-2: "Probably Damaging"; Align-GVGD: "Class C0"). In summary, the available evidence is currently insufficient to determine the role of this variant in disease. Therefore, it has been classified as a Variant of Uncertain Significance.